The following is an entry in ClinVar:

NM_014467.3(SRPX2):c.725C>G (p.Thr242Ser)

Gene: SRPX2 (sushi repeat containing protein X-linked 2; plus strand). Cytogenetic location: Xq22.1.
Variant type: single nucleotide variant.
Coding change: c.725C>G on transcript NM_014467.3 (MANE Select); coding-DNA position 725, C replaced by G.
Protein change: p.Thr242Ser; replaces threonine 242 with serine.
Molecular consequence: missense variant.
Genome position (GRCh38, 1-based): chrX:100,665,601, C>G. VCF-style: chrX-100665601-C-G. GRCh37 (hg19) VCF-style: chrX-99920598-C-G.
Other names: short protein forms T242S.
Identifiers: ClinVar variation 845761 (VCV000845761.11), dbSNP rs2083202209, ClinGen allele CA413936117.

ClinVar aggregate classification (germline): Uncertain significance. Review status: criteria provided, multiple submitters, no conflicts (2 of 4 stars). 2 submissions from 2 submitters: Uncertain significance (2). Last evaluated 2022-11-22.

Conditions:
Rolandic epilepsy, impaired intellectual development, and speech dyspraxia, X-linked. Also called: Rolandic epilepsy, impaired intellectual development, and speech dyspraxia; Rolandic epilepsy, intellectual disability, and speech dyspraxia, X-linked. Identifiers: MedGen C1845070, MONDO:0010388, OMIM 300643.

Allele frequency attached by ClinVar (database versions not stated): gnomAD exomes 0.00001; TOPMed 0.00001.
gnomAD v4.1: 10 of 1,212,076 alleles (0.00083%); highest among the groups gnomAD compares: Non-Finnish European, 0.0011%; no homozygotes.

Submissions (2):

Labcorp Genetics (formerly Invitae), Labcorp
Classification: Uncertain significance for Rolandic epilepsy, impaired intellectual development, and speech dyspraxia, X-linked. Last evaluated: 2022-11-22. Review status: criteria provided, single submitter. Criteria: Invitae Variant Classification Sherloc (09022015). Collection method: clinical testing. Allele origin: germline.
Comment: This sequence change replaces threonine, which is neutral and polar, with serine, which is neutral and polar, at codon 242 of the SRPX2 protein (p.Thr242Ser). In summary, the available evidence is currently insufficient to determine the role of this variant in disease. Therefore, it has been classified as a Variant of Uncertain Significance. Advanced modeling of protein sequence and biophysical properties (such as structural, functional, and spatial information, amino acid conservation, physicochemical variation, residue mobility, and thermodynamic stability) performed at Invitae indicates that this missense variant is not expected to disrupt SRPX2 protein function. ClinVar contains an entry for this variant (Variation ID: 845761). This variant has not been reported in the literature in individuals affected with SRPX2-related conditions. This variant is not present in population databases (gnomAD no frequency).

Ambry Genetics
Classification: Uncertain significance. Last evaluated: 2022-06-10. Review status: criteria provided, single submitter. Criteria: Ambry Variant Classification Scheme 2023. Collection method: clinical testing. Allele origin: germline.